The following is an entry in ClinVar:

ClinVar aggregate classification (germline): Conflicting classifications of pathogenicity. Review status: criteria provided, conflicting classifications (1 of 4 stars). 2 submissions from 2 submitters: Pathogenic (1); Uncertain significance (1). Last evaluated 2021-06-15.

Conditions:
Mucopolysaccharidosis, MPS-IV-A (MPS4A). Also called: Mucopolysaccharidosis type IV A; Mucopolysaccharidosis Type IVA; Morquio syndrome A, mild; MORQUIO SYNDROME A; MPS IVA; mucopolysaccharidosis type 4A. Identifiers: Orphanet 309297, Orphanet 582, MedGen C0086651, MONDO:0009659, OMIM 253000.

Submissions (2):

Labcorp Genetics (formerly Invitae), Labcorp
Classification: Pathogenic for Mucopolysaccharidosis, MPS-IV-A. Last evaluated: 2021-06-15. Review status: criteria provided, single submitter. Criteria: Invitae Variant Classification Sherloc (09022015). Collection method: clinical testing. Allele origin: germline.
Comment: For these reasons, this variant has been classified as Pathogenic. Advanced modeling of protein sequence and biophysical properties (such as structural, functional, and spatial information, amino acid conservation, physicochemical variation, residue mobility, and thermodynamic stability) performed at Invitae indicates that this missense variant is expected to disrupt GALNS protein function. A different variant (c.935C>G) giving rise to the same protein effect has been determined to be pathogenic (PMID: 9521421, 15235041, 10814710). This suggests that this variant is also likely to be causative of disease. This variant is not present in population databases (ExAC no frequency). This sequence change replaces threonine with serine at codon 312 of the GALNS protein (p.Thr312Ser). The threonine residue is highly conserved and there is a small physicochemical difference between threonine and serine.

Laboratory of Diagnosis and Therapy of Lysosomal Disorders, University of Padova
Classification: Uncertain significance for Mucopolysaccharidosis, MPS-IV-A. Last evaluated: 2021-02-01. Review status: criteria provided, single submitter. Criteria: ACMG Guidelines, 2015. Collection method: research. Allele origin: germline. Affected: yes.
Comment: Absent from gnomAD v2.1.1 (PM2_moderate); multiple lines of computational evidence support a deleterious effect on the gene (PP3_supporting)

Literature cited by the submitters: PubMed 9521421 (cited by Labcorp Genetics (formerly Invitae), Labcorp); PubMed 15235041 (cited by Labcorp Genetics (formerly Invitae), Labcorp); PubMed 10814710 (cited by Labcorp Genetics (formerly Invitae), Labcorp); PubMed 34387910 (cited by Laboratory of Diagnosis and Therapy of Lysosomal Disorders, University of Padova).

NM_000512.5(GALNS):c.934A>T (p.Thr312Ser)

Gene: GALNS (galactosamine (N-acetyl)-6-sulfatase; minus strand). Cytogenetic location: 16q24.3.
Variant type: single nucleotide variant.
Coding change: c.934A>T on transcript NM_000512.5 (MANE Select); coding-DNA position 934, A replaced by T.
Protein change: p.Thr312Ser; replaces threonine 312 with serine.
Molecular consequence: missense variant.
Genome position (GRCh38, 1-based): chr16:88,832,066, T>A on the plus strand (A>T on the coding strand, the complement: GALNS is on the minus strand). VCF-style: chr16-88832066-T-A. GRCh37 (hg19) VCF-style: chr16-88898474-T-A.
Other names: c.379A>T, p.Thr127Ser (NM_001323543.2); c.952A>T, p.Thr318Ser (NM_001323544.2); short protein forms T127S, T312S, T318S.
Identifiers: ClinVar variation 1048220 (VCV001048220.9), dbSNP rs2142999186, ClinGen allele CA397101310.
Genomic context (GRCh38, chr16:88,832,066, plus strand): 5'-CAGTGACGTGCCCTGGCCACCATGCGAGGGCAGGCTCCCTCATCCCTCCTTCAAACGTGG[T>A]CTGCTTCCCACACAGAAAGGGGCCGTTGCTGCCACCTGGGAGAGAGGGGCCCTTGTCAGG-3'
Protein context (NP_000503.1, residues 302-322): SNGPFLCGKQ[Thr312Ser]TFEGGMREPA